The following is an entry in ClinVar:

ClinVar aggregate classification (germline): Pathogenic (1 of 4 stars; one submission).

Conditions:
Cardiovascular phenotype. Identifiers: MedGen CN230736.
Hereditary cancer-predisposing syndrome. Also called: Neoplastic Syndromes, Hereditary; Tumor predisposition; Hereditary Cancer Syndrome; Hereditary neoplastic syndrome. Identifiers: Orphanet 140162, MedGen C0027672, MeSH D009386, MONDO:0015356.

Submission:

Ambry Genetics
Classification: Pathogenic for Cardiovascular phenotype; Hereditary cancer-predisposing syndrome. Last evaluated: 2025-12-01. Review status: criteria provided, single submitter. Criteria: Ambry Variant Classification Scheme 2023. Collection method: clinical testing. Allele origin: germline.
Comment: The c.322_328delATGCTGG pathogenic mutation, located in coding exon 4 of the NF1 gene, results from a deletion of 7 nucleotides at nucleotide positions 322 to 328, causing a translational frameshift with a predicted alternate stop codon (p.M108Sfs*55). This variant was reported in individual(s) with features consistent with neurofibromatosis type 1 (Ambry internal data). This variant is considered to be rare based on population cohorts in the Genome Aggregation Database (gnomAD). This alteration is expected to result in loss of function by premature protein truncation or nonsense-mediated mRNA decay. As such, this alteration is interpreted as a disease-causing mutation.

NM_001042492.3(NF1):c.322_328del (p.Met108fs)

Gene: NF1 (neurofibromin 1; plus strand). Cytogenetic location: 17q11.2.
Variant type: Deletion.
Coding change: c.322_328del on transcript NM_001042492.3 (MANE Select); coding-DNA positions 322 to 328, 7 bases deleted (ATGCTGG; older notation c.322_328delATGCTGG).
Protein change: p.Met108fs; shifts the reading frame from methionine 108.
Molecular consequence: frameshift variant.
Genome position (GRCh38, 1-based): chr17:31,163,219-31,163,225, ATGCTGG deleted; deleting any 7 consecutive bases within chr17:31,163,218-31,163,225 gives the same sequence; the c. name uses the placement nearest the transcript's 3' end. VCF-style (leftmost placement, unchanged base first): chr17-31163217-CGATGCTG-C. GRCh37 (hg19) VCF-style: chr17-29490235-CGATGCTG-C.
Other names: c.322_328del, p.Met108fs (NM_000267.4, NM_001128147.3); short protein forms M108fs.
Identifiers: ClinVar variation 4615786 (VCV004615786.1).
Genomic context (GRCh38, chr17:31,163,217, plus strand): 5'-TTAGAATAATGTGATTATTTCTATTTTAGCAACCAAAGGACACAATGAGATTAGATGAAA[CGATGCTG>C]GTCAAACAGTTGCTGCCAGAAATCTGCCATTTTCTTCACACCTGTCGTGAAGGAAACCAG-3'